The following is an entry in ClinVar:

NM_198576.4(AGRN):c.1878C>A (p.Pro626=)

Gene: AGRN (agrin; plus strand). Cytogenetic location: 1p36.33.
Variant type: single nucleotide variant.
Coding change: c.1878C>A on transcript NM_198576.4 (MANE Select); coding-DNA position 1878, C replaced by A.
Protein change: p.Pro626=; no amino-acid change (proline 626 retained).
Molecular consequence: synonymous variant.
Genome position (GRCh38, 1-based): chr1:1,043,902, C>A. VCF-style: chr1-1043902-C-A. GRCh37 (hg19) VCF-style: chr1-979282-C-A.
Other names: c.1878C>A, p.Pro626= (NM_001305275.2); c.1563C>A, p.Pro521= (NM_001364727.2).
Identifiers: ClinVar variation 2637986 (VCV002637986.24), dbSNP rs1419058299, ClinGen allele CA415757113.

ClinVar aggregate classification (germline): Likely benign (1 of 4 stars; one submission).

Allele frequency attached by ClinVar (database versions not stated): gnomAD exomes below 0.00001.
gnomAD v4.1: 2 of 1,609,992 alleles (0.00012%); highest among the groups gnomAD compares: Non-Finnish European, 0.000085%; no homozygotes.

Submission:

CeGaT Center for Human Genetics Tuebingen
Classification: Likely benign. Last evaluated: 2023-01-01. Review status: criteria provided, single submitter. Criteria: CeGaT Center For Human Genetics Tuebingen Variant Classification Criteria Version 2. Collection method: clinical testing. Allele origin: germline. Affected: yes. Observed: 1 variant allele.
Comment: AGRN: BP4, BP7